The following is an entry in ClinVar:

Conditions:
Breast-ovarian cancer, familial, susceptibility to, 1 (BROVCA1). Also called: BRCA1 Hereditary Breast and Ovarian Cancer; OVARIAN CANCER, SUSCEPTIBILITY TO. Identifiers: Orphanet 145, MedGen C2676676, MONDO:0011450, OMIM 604370. Disease mechanism: loss of function.

Submission:

Brotman Baty Institute, University of Washington
No classification provided (evidence only). Condition: Breast-ovarian cancer, familial 1. Review status: no classification provided. Collection method: in vitro. Allele origin: not applicable. Functional consequence: functionally_normal.
ClinVar note: "not provided" was previously submitted as the classification for the variant. However, the classification appeared to be based only on an observation of functional data so it was converted to no classification on 2025-07-30.

NM_007294.4(BRCA1):c.5038A>C (p.Ile1680Leu)

Gene: BRCA1 (BRCA1 DNA repair associated; minus strand). Cytogenetic location: 17q21.31.
Variant type: single nucleotide variant.
Coding change: c.5038A>C on transcript NM_007294.4 (MANE Select); coding-DNA position 5038, A replaced by C.
Protein change: p.Ile1680Leu; replaces isoleucine 1680 with leucine.
Molecular consequence: missense variant. On other transcripts: non-coding transcript variant (1).
Genome position (GRCh38, 1-based): chr17:43,067,644, T>G on the plus strand (A>C on the coding strand, the complement: BRCA1 is on the minus strand). VCF-style: chr17-43067644-T-G. GRCh37 (hg19) VCF-style: chr17-41219661-T-G.
Other names: c.4825A>C, p.Ile1609Leu (NM_001407571.1, NM_001407902.1, NM_001407904.1 and 12 more transcripts); c.5104A>C, p.Ile1702Leu (NM_001407581.1, NM_001407582.1); c.5101A>C, p.Ile1701Leu (NM_001407583.1, NM_001407585.1, NM_001407587.1 and 1 more transcripts); c.5098A>C, p.Ile1700Leu (NM_001407590.1, NM_001407591.1); c.5038A>C, p.Ile1680Leu (NM_001407593.1, NM_001407594.1, NM_001407596.1 and 8 more transcripts); c.5035A>C, p.Ile1679Leu (NM_001407610.1, NM_001407611.1, NM_001407612.1 and 17 more transcripts); c.5032A>C, p.Ile1678Leu (NM_001407630.1, NM_001407631.1, NM_001407632.1 and 14 more transcripts); c.4960A>C, p.Ile1654Leu (NM_001407653.1, NM_001407654.1, NM_001407655.1); and 70 more; short protein forms I1680L, I576L, I1633L, I1701L, I1384L, I1551L, I1552L, I1553L.
Identifiers: ClinVar variation 868550 (VCV000868550.3), dbSNP rs2052170937, ClinGen allele CA10591442.